The following is an entry in ClinVar:

ClinVar aggregate classification (germline): Likely benign (1 of 4 stars; one submission).

Submission:

GeneDx
Classification: Likely benign. Last evaluated: 2016-10-21. Review status: criteria provided, single submitter. Criteria: GeneDx Variant Classification (06012015). Collection method: clinical testing. Allele origin: germline. Affected: yes.
Comment: This variant is considered likely benign or benign based on one or more of the following criteria: it is a conservative change, it occurs at a poorly conserved position in the protein, it is predicted to be benign by multiple in silico algorithms, and/or has population frequency not consistent with disease.

NM_001111125.3(IQSEC2):c.2298-10C>T

Gene: IQSEC2 (IQ motif and Sec7 domain ArfGEF 2; minus strand). Cytogenetic location: Xp11.22.
Variant type: single nucleotide variant.
Coding change: c.2298-10C>T on transcript NM_001111125.3 (MANE Select); 10 bases into the intron before coding-DNA position 2298, C replaced by T.
Molecular consequence: intron variant.
Genome position (GRCh38, 1-based): chrX:53,248,892, G>A on the plus strand (C>T on the coding strand, the complement: IQSEC2 is on the minus strand). VCF-style: chrX-53248892-G-A. GRCh37 (hg19) VCF-style: chrX-53278074-G-A.
Other names: c.1683-10C>T (NM_015075.2).
Identifiers: ClinVar variation 390160 (VCV000390160.1), dbSNP rs1057523662, ClinGen allele CA16608524.